The following is an entry in ClinVar:

NM_000686.5(AGTR2):c.211T>A (p.Cys71Ser)

Gene: AGTR2 (angiotensin II receptor type 2; plus strand). Cytogenetic location: Xq23.
Variant type: single nucleotide variant.
Coding change: c.211T>A on transcript NM_000686.5 (MANE Select); coding-DNA position 211, T replaced by A.
Protein change: p.Cys71Ser; replaces cysteine 71 with serine.
Molecular consequence: missense variant.
Genome position (GRCh38, 1-based): chrX:116,172,491, T>A. VCF-style: chrX-116172491-T-A. GRCh37 (hg19) VCF-style: chrX-115303744-T-A.
Other names: c.211T>A, p.Cys71Ser (NM_001385624.1); short protein forms C71S.
Identifiers: ClinVar variation 2381705 (VCV002381705.26), dbSNP rs140949483, ClinGen allele CA10497243.
Genomic context (GRCh38, chrX:116,172,491, plus strand): 5'-TACTACATTATATTTGTAATTGGATTTCTGGTCAATATTGTCGTGGTTACACTGTTTTGT[T>A]GTCAAAAGGGTCCTAAAAAGGTTTCTAGCATATACATCTTCAACCTCGCTGTGGCTGATT-3'
Protein context (NP_000677.2, residues 61-81): VNIVVVTLFC[Cys71Ser]QKGPKKVSSI

ClinVar aggregate classification (germline): Conflicting classifications of pathogenicity. Review status: criteria provided, conflicting classifications (1 of 4 stars). 2 submissions from 2 submitters: Uncertain significance (1); Likely benign (1). Last evaluated 2025-04-12.

Allele frequency attached by ClinVar (database versions not stated): ExAC 0.00015; TOPMed 0.00017; gnomAD 0.00022; gnomAD exomes 0.00026; ESP Exome Variant Server 0.00066.
gnomAD v4.1: 329 of 1,209,625 alleles (0.027%); highest among the groups gnomAD compares: Non-Finnish European, 0.033%; no homozygotes.

Submissions (2):

Ambry Genetics
Classification: Uncertain significance. Last evaluated: 2025-04-12. Review status: criteria provided, single submitter. Criteria: Ambry Variant Classification Scheme 2023. Collection method: clinical testing. Allele origin: germline.

CeGaT Center for Human Genetics Tuebingen
Classification: Likely benign. Last evaluated: 2022-09-01. Review status: criteria provided, single submitter. Criteria: CeGaT Center For Human Genetics Tuebingen Variant Classification Criteria Version 2. Collection method: clinical testing. Allele origin: germline. Affected: yes. Observed: 1 variant allele.
Comment: AGTR2: BP4